The following is an entry in ClinVar:

NM_022168.4(IFIH1):c.2021G>C (p.Arg674Thr)

Gene: IFIH1 (interferon induced with helicase C domain 1; minus strand). Cytogenetic location: 2q24.2.
Variant type: single nucleotide variant.
Coding change: c.2021G>C on transcript NM_022168.4 (MANE Select); coding-DNA position 2021, G replaced by C.
Protein change: p.Arg674Thr; replaces arginine 674 with threonine.
Molecular consequence: missense variant.
Genome position (GRCh38, 1-based): chr2:162,277,438, C>G on the plus strand (G>C on the coding strand, the complement: IFIH1 is on the minus strand). VCF-style: chr2-162277438-C-G. GRCh37 (hg19) VCF-style: chr2-163133948-C-G.
Other names: short protein forms R674T.
Identifiers: ClinVar variation 1023215 (VCV001023215.8), dbSNP rs758006242, ClinGen allele CA348998366.

ClinVar aggregate classification (germline): Uncertain significance (1 of 4 stars; one submission).

Conditions:
Aicardi-Goutieres syndrome 7 (AGS7). Identifiers: Orphanet 51, MedGen C3888244, MONDO:0014367, OMIM 615846.
Singleton-Merten syndrome 1 (SGMRT1). Also called: Widened medullary cavities of bone, aortic calcification, abnormal dentition, and muscular weakness; Syndrome of widened medullary cavities of the metacarpals and phalanges, aortic calcification and abnormal dentition. Identifiers: Orphanet 85191, MedGen C4225427, MONDO:0024535, OMIM 182250.

gnomAD v4.1: 12 of 1,608,526 alleles (0.00075%); highest among the groups gnomAD compares: Non-Finnish European, 0.001%; no homozygotes.

Submission:

Labcorp Genetics (formerly Invitae), Labcorp
Classification: Uncertain significance for Aicardi-Goutieres syndrome 7; Singleton-Merten syndrome 1. Last evaluated: 2025-03-10. Review status: criteria provided, single submitter. Criteria: Invitae Variant Classification Sherloc (09022015). Collection method: clinical testing. Allele origin: germline.
Comment: This sequence change replaces arginine, which is basic and polar, with threonine, which is neutral and polar, at codon 674 of the IFIH1 protein (p.Arg674Thr). This variant is not present in population databases (gnomAD no frequency). This variant has not been reported in the literature in individuals affected with IFIH1-related conditions. ClinVar contains an entry for this variant (Variation ID: 1023215). An algorithm developed to predict the effect of missense changes on protein structure and function outputs the following: PolyPhen-2: "Benign". The threonine amino acid residue is found in multiple mammalian species, which suggests that this missense change does not adversely affect protein function. In summary, the available evidence is currently insufficient to determine the role of this variant in disease. Therefore, it has been classified as a Variant of Uncertain Significance.